The following is an entry in ClinVar:

ClinVar aggregate classification (germline): Benign (1 of 4 stars; one submission).

Conditions:
Heterotaxy, visceral, 4, autosomal (HTX4). Identifiers: Orphanet 450, MedGen C3151057, MONDO:0013403, OMIM 613751.

Allele frequency attached by ClinVar (database versions not stated): gnomAD 0.00004 and 0.00075; TOPMed 0.00017; 1000 Genomes Project 30x 0.00406; 1000 Genomes Project 0.00419.

Submission:

Illumina Laboratory Services, Illumina
Classification: Benign for Heterotaxy, visceral, 4, autosomal. Last evaluated: 2018-01-13. Review status: criteria provided, single submitter. Criteria: ICSL Variant Classification Criteria 13 December 2019. Collection method: clinical testing. Allele origin: germline.
Comment: This variant was observed in the ICSL laboratory as part of a predisposition screen in an ostensibly healthy population. It had not been previously curated by ICSL or reported in the Human Gene Mutation Database (HGMD: prior to June 1st, 2018), and was therefore a candidate for classification through an automated scoring system. Utilizing variant allele frequency, disease prevalence and penetrance estimates, and inheritance mode, an automated score was calculated to assess if this variant is too frequent to cause the disease. Based on the score and internal cut-off values, a variant classified as benign is not then subjected to further curation. The score for this variant resulted in a classification of benign for this disease.

NM_001106.4(ACVR2B):c.*6638C>T

Gene: ACVR2B (activin A receptor type 2B; plus strand). Cytogenetic location: 3p22.2.
Variant type: single nucleotide variant.
Coding change: c.*6638C>T on transcript NM_001106.4 (MANE Select); 6638 bases downstream of the stop codon, C replaced by T.
Molecular consequence: 3 prime UTR variant.
Genome position (GRCh38, 1-based): chr3:38,489,970, C>T. VCF-style: chr3-38489970-C-T. GRCh37 (hg19) VCF-style: chr3-38531461-C-T.
Identifiers: ClinVar variation 345014 (VCV000345014.5), dbSNP rs552937102, ClinGen allele CA10618634.